The following is an entry in ClinVar:

NM_006231.4(POLE):c.1496_1523del (p.Thr499fs)

Gene: POLE (DNA polymerase epsilon, catalytic subunit; minus strand). Cytogenetic location: 12q24.33.
Variant type: Deletion.
Coding change: c.1496_1523del on transcript NM_006231.4 (MANE Select); coding-DNA positions 1496 to 1523, 28 bases deleted (CTCTGTGTGAGGCCTTGCTGATGGTGCA).
Protein change: p.Thr499fs; shifts the reading frame from threonine 499.
Molecular consequence: frameshift variant.
Genome position (GRCh38, 1-based): chr12:132,672,790-132,672,817, TGCACCATCAGCAAGGCCTCACACAGAG deleted on the plus strand (CTCTGTGTGAGGCCTTGCTGATGGTGCA on the coding strand, the reverse complement: POLE is on the minus strand); deleting any 28 consecutive bases within chr12:132,672,790-132,672,820 gives the same sequence; the c. name uses the placement nearest the transcript's 3' end. VCF-style (leftmost placement, unchanged base first): chr12-132672789-CTGCACCATCAGCAAGGCCTCACACAGAG-C. GRCh37 (hg19) VCF-style: chr12-133249375-CTGCACCATCAGCAAGGCCTCACACAGAG-C.
Other names: c.1496_1523del28 (NM_006231.2); short protein forms T499fs.
Identifiers: ClinVar variation 1025545 (VCV001025545.11), dbSNP rs1355000721, ClinGen allele CA685554787.

ClinVar aggregate classification (germline): Conflicting classifications of pathogenicity. Review status: criteria provided, conflicting classifications (1 of 4 stars). 2 submissions from 2 submitters: Pathogenic (1); Uncertain significance (1). Last evaluated 2026-07-01.

Conditions:
Hereditary cancer-predisposing syndrome. Also called: Tumor predisposition; Hereditary Cancer Syndrome; Hereditary neoplastic syndrome; Neoplastic Syndromes, Hereditary. Identifiers: Orphanet 140162, MedGen C0027672, MeSH D009386, MONDO:0015356.

Submissions (2):

Ambry Genetics
Classification: Uncertain significance for Hereditary cancer-predisposing syndrome. Last evaluated: 2026-07-01. Review status: criteria provided, single submitter. Criteria: Ambry Variant Classification Scheme 2023. Collection method: clinical testing. Allele origin: germline.
Comment: The c.1496_1523del28 variant, located in coding exon 15 of the POLE gene, results from a deletion of 28 nucleotides at nucleotide positions 1496 to 1523, causing a translational frameshift with a predicted alternate stop codon (p.T499Rfs*20). This alteration is expected to result in loss of function by premature protein truncation or nonsense-mediated mRNA decay. Although biallelic loss of function of POLE has been associated with autosomal recessive POLE deficiency, haploinsufficiency of POLE has not been established as a mechanism of disease for POLE-related polymerase proofreading-associated polyposis (PPAP) and POLE-related CMMRD-like syndrome. Based on the supporting evidence, this variant is expected to be causative of POLE deficiency when present along with a second pathogenic variant on the other allele; however, its clinical significance for PPAP and POLE-related CMMRD-like syndrome is unclear.

Labcorp Genetics (formerly Invitae), Labcorp
Classification: Pathogenic. Last evaluated: 2024-07-12. Review status: criteria provided, single submitter. Criteria: Invitae Variant Classification Sherloc (09022015). Collection method: clinical testing. Allele origin: germline.
Comment: This sequence change creates a premature translational stop signal (p.Thr499Argfs*20) in the POLE gene. It is expected to result in an absent or disrupted protein product. Loss-of-function variants in POLE are known to be pathogenic (PMID: 23230001, 25948378, 30503519). This variant is not present in population databases (gnomAD no frequency). This variant has not been reported in the literature in individuals affected with POLE-related conditions. ClinVar contains an entry for this variant (Variation ID: 1025545). For these reasons, this variant has been classified as Pathogenic.

Literature cited by the submitters: PubMed 23230001 (cited by Labcorp Genetics (formerly Invitae), Labcorp); PubMed 25948378 (cited by Labcorp Genetics (formerly Invitae), Labcorp); PubMed 30503519 (cited by Labcorp Genetics (formerly Invitae), Labcorp).